The following is an entry in ClinVar:

ClinVar aggregate classification (germline): Uncertain significance (1 of 4 stars; one submission).

Conditions:
Epidermolysis bullosa simplex 3, localized or generalized intermediate, with BP230 deficiency (EBS3). Also called: Epidermolysis bullosa simplex due to BP230 deficiency; Epidermolysis bullosa simplex, autosomal recessive 2. Identifiers: Orphanet 412181, MedGen C3809470, MONDO:0014180, OMIM 615425.
Hereditary sensory and autonomic neuropathy type 6. Also called: Neuropathy, hereditary sensory and autonomic, type VI; HSAN VI. Identifiers: Orphanet 314381, MedGen C3539003, MONDO:0013839, OMIM 614653.

Allele frequency attached by ClinVar (database versions not stated): gnomAD exomes below 0.00001; TOPMed below 0.00001.
gnomAD v4.1: 9 of 1,614,176 alleles (0.00056%); highest among the groups gnomAD compares: South Asian, 0.0022%; no homozygotes.

Submission:

Labcorp Genetics (formerly Invitae), Labcorp
Classification: Uncertain significance for Epidermolysis bullosa simplex 3, localized or generalized intermediate, with BP230 deficiency; Hereditary sensory and autonomic neuropathy type 6. Last evaluated: 2022-10-05. Review status: criteria provided, single submitter. Criteria: Invitae Variant Classification Sherloc (09022015). Collection method: clinical testing. Allele origin: germline.
Comment: This sequence change replaces valine, which is neutral and non-polar, with isoleucine, which is neutral and non-polar, at codon 2462 of the DST protein (p.Val2462Ile). This variant is present in population databases (no rsID available, gnomAD 0.003%). This variant has not been reported in the literature in individuals affected with DST-related conditions. Algorithms developed to predict the effect of missense changes on protein structure and function (SIFT, PolyPhen-2, Align-GVGD) all suggest that this variant is likely to be tolerated. In summary, the available evidence is currently insufficient to determine the role of this variant in disease. Therefore, it has been classified as a Variant of Uncertain Significance.

NM_001723.7(DST):c.7384G>A (p.Val2462Ile)

Gene: DST (dystonin; minus strand). Cytogenetic location: 6p12.1.
Variant type: single nucleotide variant.
Coding change: c.7384G>A on transcript NM_001723.7 (MANE Plus Clinical); coding-DNA position 7384, G replaced by A.
Protein change: p.Val2462Ile; replaces valine 2462 with isoleucine.
Molecular consequence: missense variant. On other transcripts: intron variant (10).
Genome position (GRCh38, 1-based): chr6:56,616,083, C>T on the plus strand (G>A on the coding strand, the complement: DST is on the minus strand). VCF-style: chr6-56616083-C-T. GRCh37 (hg19) VCF-style: chr6-56480881-C-T.
Other names: c.4831-1599G>A (NM_001144769.5); c.4930-1599G>A (NM_001374722.1, NM_001374736.1); c.4957-1599G>A (NM_001374734.1); c.4417-1599G>A (NM_001144770.2); c.4297-1599G>A (NM_001374730.1, NM_001386100.1, NM_183380.4 and 1 more transcripts); c.3319-1599G>A (NM_015548.5); short protein forms V2462I.
Identifiers: ClinVar variation 2197350 (VCV002197350.4), dbSNP rs1255466276, ClinGen allele CA364563103.